The following is an entry in ClinVar:

NM_004733.4(SLC33A1):c.1615G>A (p.Gly539Arg)

Gene: SLC33A1 (solute carrier family 33 member 1; minus strand). Cytogenetic location: 3q25.31.
Variant type: single nucleotide variant.
Coding change: c.1615G>A on transcript NM_004733.4 (MANE Select); coding-DNA position 1615, G replaced by A.
Protein change: p.Gly539Arg; replaces glycine 539 with arginine.
Molecular consequence: missense variant.
Genome position (GRCh38, 1-based): chr3:155,828,245, C>T on the plus strand (G>A on the coding strand, the complement: SLC33A1 is on the minus strand). VCF-style: chr3-155828245-C-T. GRCh37 (hg19) VCF-style: chr3-155546034-C-T.
Other names: c.1615G>A, p.Gly539Arg (NM_001190992.2); c.1309G>A, p.Gly437Arg (NM_001363883.1); short protein forms G437R, G539R.
Identifiers: ClinVar variation 4853765 (VCV004853765.1).

ClinVar aggregate classification (germline): Uncertain significance (1 of 4 stars; one submission).

Submission:

Women's Health and Genetics/Laboratory Corporation of America, LabCorp
Classification: Uncertain significance. Last evaluated: 2026-05-20. Review status: criteria provided, single submitter. Criteria: LabCorp Variant Classification Summary - May 2015. Collection method: clinical testing. Allele origin: germline.
Comment: Variant summary: SLC33A1 c.1615G>A (p.Gly539Arg) results in a non-conservative amino acid change in the encoded protein sequence. Algorithms developed to predict the effect of missense changes on protein structure and function are either unavailable or do not agree on the potential impact of this missense change. The variant was absent in 251420 control chromosomes. The available data on variant occurrences in the general population are insufficient to allow any conclusion about variant significance. To our knowledge, no occurrence of c.1615G>A in individuals affected with SLC33A1-related conditions and no experimental evidence demonstrating its impact on protein function have been reported. No submitters have cited clinical-significance assessments for this variant to ClinVar. Based on the evidence outlined above, the variant was classified as uncertain significance.